The following continues an entry in ClinVar:

NM_000530.8(MPZ):c.703AAG[1] (p.Lys236del)

Gene: MPZ. ClinVar aggregate classification (germline): Conflicting classifications of pathogenicity. Pathogenic (3); Likely pathogenic (8); Uncertain significance (1).

Submissions 8 to 13 of 13:

Laboratory for Molecular Medicine, Mass General Brigham Personalized Medicine
Classification: Likely pathogenic for Charcot-Marie-Tooth disease. Last evaluated: 2022-11-03. Review status: criteria provided, single submitter. Criteria: ACMG Guidelines, 2015. Collection method: clinical testing. Allele origin: germline.
Comment: The p.Lys236del (historically referred to as K207del or K263Del) variant in MPZ has been reported in 4 individuals with late-onset Charcot-Marie-Tooth disease and segregated with disease in two relatives (Street 2002 PubMed: 12207932, Volodarsky 2021 PubMed: 32376792; Sowden 2005 PMID: 15716547). This variant is an in-frame 1-amino acid deletion. It has also been reported by other clinical laboratories in ClinVar (Variation ID 447734) and detected in 1/64552 non-Finnish European chromosomes by the Genome Aggregation Database (gnomAD). Functional data demonstrates that this variant affects protein function (Bai 2018 PubMed: 29687021). In summary, this variant is likely pathogenic for Charcot-Marie-Tooth disease in an autosomal dominant manner. ACMG/AMP Criteria applied: PS4_Supporting, PM2_Supporting, PM4_Supporting, PS3_Moderate, PP1.

Baylor Genetics
Classification: Likely pathogenic for Charcot-Marie-Tooth disease type 2I. Last evaluated: 2022-10-06. Review status: criteria provided, single submitter. Criteria: ACMG Guidelines, 2015. Collection method: clinical testing. Allele origin: unknown.

Institute of Medical Genetics and Applied Genomics, University Hospital Tübingen
Classification: Likely pathogenic. Last evaluated: 2021-02-01. Review status: criteria provided, single submitter. Criteria: ACMG Guidelines, 2015. Collection method: clinical testing. Allele origin: germline. Inheritance: Autosomal dominant inheritance. Affected: yes.

Athena Diagnostics
Classification: Likely pathogenic. Last evaluated: 2017-04-13. Review status: criteria provided, single submitter. Criteria: Athena Diagnostics Criteria. Collection method: clinical testing. Allele origin: germline.

Molecular Genetics Laboratory, London Health Sciences Centre
Classification: Likely pathogenic for Charcot-Marie-Tooth disease. Review status: criteria provided, single submitter. Criteria: ACMG Guidelines, 2015. Collection method: clinical testing. Allele origin: germline. Affected: yes.

Inherited Neuropathy Consortium
Classification: Uncertain significance for Charcot-Marie-Tooth disease. Review status: no assertion criteria provided. Collection method: literature only. Allele origin: germline. Affected: yes. Not counted in ClinVar's aggregate classification.

Literature cited by the submitters: PubMed 12207932 (cited by 7 submitters); PubMed 15716547 (cited by 5 submitters); PubMed 29687021 (cited by 4 submitters); PubMed 31173589 (cited by 4 submitters); PubMed 26310628 (cited by 3 submitters); PubMed 20800346 (cited by Mayo Clinic Laboratories, Mayo Clinic); PubMed 32376792 (cited by 3 submitters); PubMed 36203352 (cited by Mayo Clinic Laboratories, Mayo Clinic and Pittsburgh Clinical Genomics Laboratory, University of Pittsburgh Medical Center); PubMed 38839277 (cited by Mayo Clinic Laboratories, Mayo Clinic); PubMed 33179255 (cited by Pittsburgh Clinical Genomics Laboratory, University of Pittsburgh Medical Center).